The following is an entry in ClinVar:

ClinVar aggregate classification (germline): Pathogenic/Likely pathogenic. Review status: criteria provided, multiple submitters, no conflicts (2 of 4 stars). 5 submissions from 5 submitters: Pathogenic (3); Likely pathogenic (1). 1 of the submissions does not count toward it. Last evaluated 2024-05-30.

Conditions:
Neurofibromatosis, type 1 (NF1). Also called: VON RECKLINGHAUSEN DISEASE; Neurofibromatosis, type I; Peripheral type neurofibromatosis; NEUROFIBROMATOSIS, TYPE I, SOMATIC. Identifiers: Orphanet 636, MedGen C0027831, MONDO:0018975, OMIM 162200. Disease mechanism: loss of function.
Juvenile myelomonocytic leukemia (JMML). Also called: LEUKEMIA, JUVENILE MYELOMONOCYTIC, SOMATIC. Identifiers: Orphanet 86834, MedGen C0349639, MONDO:0011908, OMIM 607785, HP:0012209.
Cardiovascular phenotype. Identifiers: MedGen CN230736.
Hereditary cancer-predisposing syndrome. Also called: Hereditary Cancer Syndrome; Hereditary neoplastic syndrome; Tumor predisposition; Neoplastic Syndromes, Hereditary. Identifiers: Orphanet 140162, MedGen C0027672, MeSH D009386, MONDO:0015356.

Submissions (5):

GeneDx
Classification: Pathogenic. Last evaluated: 2024-05-30. Review status: criteria provided, single submitter. Criteria: GeneDx Variant Classification Process June 2021. Collection method: clinical testing. Allele origin: germline. Affected: yes.
Comment: Nonsense variant predicted to result in protein truncation or nonsense mediated decay in a gene for which loss of function is a known mechanism of disease; Not observed at significant frequency in large population cohorts (gnomAD); This variant is associated with the following publications: (PMID: 28961165)

Baylor Genetics
Classification: Pathogenic for Juvenile myelomonocytic leukemia. Last evaluated: 2023-10-10. Review status: criteria provided, single submitter. Criteria: ACMG Guidelines, 2015. Collection method: clinical testing. Allele origin: unknown.

Ambry Genetics
Classification: Pathogenic for Cardiovascular phenotype; Hereditary cancer-predisposing syndrome. Last evaluated: 2023-06-15. Review status: criteria provided, single submitter. Criteria: Ambry Variant Classification Scheme 2023. Collection method: clinical testing. Allele origin: germline.
Comment: The p.C622* pathogenic mutation (also known as c.1866T>A), located in coding exon 17 of the NF1 gene, results from a T to A substitution at nucleotide position 1866. This changes the amino acid from a cysteine to a stop codon within coding exon 17. This alteration is expected to result in loss of function by premature protein truncation or nonsense-mediated mRNA decay. As such, this alteration is interpreted as a disease-causing mutation.

Clinical Genetics Service, Universitary Hospital 12 de Octubre
Classification: Likely pathogenic for Neurofibromatosis, type 1. Review status: criteria provided, single submitter. Criteria: ACMG Guidelines, 2015. Collection method: clinical testing. Allele origin: germline. Affected: yes.

Medical Genetics, University of Parma
Classification: Pathogenic for Neurofibromatosis type 1. Last evaluated: 2017-02-02. Review status: no assertion criteria provided. Collection method: clinical testing. Allele origin: germline. Affected: yes. Not counted in ClinVar's aggregate classification.

NM_001042492.3(NF1):c.1866T>A (p.Cys622Ter)

Gene: NF1 (neurofibromin 1; plus strand). Cytogenetic location: 17q11.2.
Variant type: single nucleotide variant.
Coding change: c.1866T>A on transcript NM_001042492.3 (MANE Select); coding-DNA position 1866, T replaced by A.
Protein change: p.Cys622Ter; replaces cysteine 622 with a stop codon.
Molecular consequence: nonsense.
Genome position (GRCh38, 1-based): chr17:31,225,115, T>A. VCF-style: chr17-31225115-T-A. GRCh37 (hg19) VCF-style: chr17-29552133-T-A.
Other names: c.1866T>A, p.Cys622Ter (NM_000267.4); short protein forms C622*.
Identifiers: ClinVar variation 431599 (VCV000431599.7), dbSNP rs753245823, ClinGen allele CA399005095.